The following is an entry in ClinVar:

ClinVar aggregate classification (germline): Likely benign. Review status: criteria provided, multiple submitters, no conflicts (2 of 4 stars). 2 submissions from 2 submitters: Likely benign (2). Last evaluated 2024-01-01.

Conditions:
Cardiovascular phenotype. Identifiers: MedGen CN230736.

Allele frequency attached by ClinVar (database versions not stated): gnomAD 0.00001.
gnomAD v4.1: 1 of 1,550,342 alleles (0.000065%); highest among the groups gnomAD compares: African/African-American, 0.0014%; no homozygotes.

Submissions (2):

CeGaT Center for Human Genetics Tuebingen
Classification: Likely benign. Last evaluated: 2024-01-01. Review status: criteria provided, single submitter. Criteria: CeGaT Center For Human Genetics Tuebingen Variant Classification Criteria Version 2. Collection method: clinical testing. Allele origin: germline. Affected: yes. Observed: 1 variant allele.
Comment: ZNF469: BP4, BP7

Ambry Genetics
Classification: Likely benign for Cardiovascular phenotype. Last evaluated: 2021-04-02. Review status: criteria provided, single submitter. Criteria: Ambry Variant Classification Scheme 2023. Collection method: clinical testing. Allele origin: germline.

NM_001367624.2(ZNF469):c.4116G>A (p.Gly1372=)

Gene: ZNF469 (zinc finger protein 469; plus strand). Cytogenetic location: 16q24.2.
Variant type: single nucleotide variant.
Coding change: c.4116G>A on transcript NM_001367624.2 (MANE Select); coding-DNA position 4116, G replaced by A.
Protein change: p.Gly1372=; no amino-acid change (glycine 1372 retained).
Molecular consequence: synonymous variant.
Genome position (GRCh38, 1-based): chr16:88,431,586, G>A. VCF-style: chr16-88431586-G-A. GRCh37 (hg19) VCF-style: chr16-88497994-G-A.
Other names: NM_001127464.1:c.4032G>A.
Identifiers: ClinVar variation 1737216 (VCV001737216.24), dbSNP rs966804400, ClinGen allele CA286375649.
Genomic context (GRCh38, chr16:88,431,586, plus strand): 5'-TGGCTGTGACCCTGCTGGTTTTAACAGAGACCCCTTGGGGGTTCCAGTTGCCAAAAAGGG[G>A]CCTCAGCCCTACAGCAGCCCCCACAGTGAGTTGTTCCTCGGACCCAAAGACCTGGCTGGC-3'
Protein context (NP_001354553.1, residues 1362-1382): DPLGVPVAKK[Gly1372=]PQPYSSPHSE